The following is an entry in ClinVar:

ClinVar aggregate classification (germline): Uncertain significance (1 of 4 stars; one submission).

Submission:

Labcorp Genetics (formerly Invitae), Labcorp
Classification: Uncertain significance. Last evaluated: 2023-12-02. Review status: criteria provided, single submitter. Criteria: Invitae Variant Classification Sherloc (09022015). Collection method: clinical testing. Allele origin: germline.
Comment: This sequence change replaces asparagine, which is neutral and polar, with serine, which is neutral and polar, at codon 57 of the FOXI3 protein (p.Asn57Ser). The frequency data for this variant in the population databases is considered unreliable, as metrics indicate insufficient coverage at this position in the gnomAD database. This variant has not been reported in the literature in individuals affected with FOXI3-related conditions. Experimental studies and prediction algorithms are not available or were not evaluated, and the functional significance of this variant is currently unknown. In summary, the available evidence is currently insufficient to determine the role of this variant in disease. Therefore, it has been classified as a Variant of Uncertain Significance.

NM_001135649.3(FOXI3):c.170A>G (p.Asn57Ser)

Gene: FOXI3 (forkhead box I3; minus strand). Cytogenetic location: 2p11.2.
Variant type: single nucleotide variant.
Coding change: c.170A>G on transcript NM_001135649.3 (MANE Select); coding-DNA position 170, A replaced by G.
Protein change: p.Asn57Ser; replaces asparagine 57 with serine.
Molecular consequence: missense variant.
Genome position (GRCh38, 1-based): chr2:88,452,366, T>C on the plus strand (A>G on the coding strand, the complement: FOXI3 is on the minus strand). VCF-style: chr2-88452366-T-C. GRCh37 (hg19) VCF-style: chr2-88751884-T-C.
Other names: short protein forms N57S.
Identifiers: ClinVar variation 2700557 (VCV002700557.3), dbSNP rs2528917682, ClinGen allele CA347766909.
Genomic context (GRCh38, chr2:88,452,366, plus strand): 5'-CCCAGGTACGCGGCGGCGGCTGCGGCGGCGGCGGAGGGCGGGCCTCCCACGCCGGGCCCG[T>C]TGAGCCACAGGTAGGGGTTGGCGGCGGCGGCCGGCGGCGCGGCGTAGTCGGCCAGCCCGT-3'
Protein context (NP_001129121.1, residues 47-67): AAAANPYLWL[Asn57Ser]GPGVGGPPSA